The following is an entry in ClinVar:

NM_006231.4(POLE):c.1212C>T (p.His404=)

Gene: POLE (DNA polymerase epsilon, catalytic subunit; minus strand). Cytogenetic location: 12q24.33.
Variant type: single nucleotide variant.
Coding change: c.1212C>T on transcript NM_006231.4 (MANE Select); coding-DNA position 1212, C replaced by T.
Protein change: p.His404=; no amino-acid change (histidine 404 retained).
Molecular consequence: synonymous variant.
Genome position (GRCh38, 1-based): chr12:132,675,412, G>A on the plus strand (C>T on the coding strand, the complement: POLE is on the minus strand). VCF-style: chr12-132675412-G-A. GRCh37 (hg19) VCF-style: chr12-133251998-G-A.
Identifiers: ClinVar variation 2729570 (VCV002729570.4), dbSNP rs2542157658, ClinGen allele CA482849595.

ClinVar aggregate classification (germline): Benign/Likely benign. Review status: criteria provided, multiple submitters, no conflicts (2 of 4 stars). 2 submissions from 2 submitters: Benign (1); Likely benign (1). Last evaluated 2025-02-10.

Conditions:
Colorectal cancer, susceptibility to, 12 (CRCS12). Also called: COLORECTAL CANCER, SUSCEPTIBILITY TO, ON CHROMOSOME 12q24. Identifiers: Orphanet 220460, MedGen C3554460, MONDO:0014038, OMIM 615083.

Submissions (2):

Myriad Genetics, Inc.
Classification: Benign for Colorectal cancer, susceptibility to, 12. Last evaluated: 2025-02-10. Review status: criteria provided, single submitter. Criteria: Myriad Autosomal Dominant, Autosomal Recessive and X-Linked Classification Criteria (2023). Collection method: clinical testing. Allele origin: unknown.
Comment: This variant is considered benign. This variant is a silent/synonymous amino acid change and it is not expected to impact splicing.

Labcorp Genetics (formerly Invitae), Labcorp
Classification: Likely benign. Last evaluated: 2023-06-27. Review status: criteria provided, single submitter. Criteria: Invitae Variant Classification Sherloc (09022015). Collection method: clinical testing. Allele origin: germline.